The following is an entry in ClinVar:

NM_000258.3(MYL3):c.301C>G (p.Gln101Glu)

Gene: MYL3 (myosin light chain 3; minus strand). Cytogenetic location: 3p21.31.
Variant type: single nucleotide variant.
Coding change: c.301C>G on transcript NM_000258.3 (MANE Select); coding-DNA position 301, C replaced by G.
Protein change: p.Gln101Glu; replaces glutamine 101 with glutamic acid.
Molecular consequence: missense variant.
Genome position (GRCh38, 1-based): chr3:46,860,682, G>C on the plus strand (C>G on the coding strand, the complement: MYL3 is on the minus strand). VCF-style: chr3-46860682-G-C. GRCh37 (hg19) VCF-style: chr3-46902172-G-C.
Other names: short protein forms Q101E.
Identifiers: ClinVar variation 237446 (VCV000237446.7), dbSNP rs747691982, ClinGen allele CA043395.

ClinVar aggregate classification (germline): Uncertain significance. Review status: criteria provided, multiple submitters, no conflicts (2 of 4 stars). 2 submissions from 2 submitters: Uncertain significance (2). Last evaluated 2024-08-06.

Conditions:
Hypertrophic cardiomyopathy. Also called: HYPERTROPHIC MYOCARDIOPATHY. Identifiers: Orphanet 217569, MedGen C0007194, MeSH D002312, MONDO:0005045, HP:0001639.

Allele frequency attached by ClinVar (database versions not stated): gnomAD exomes below 0.00001; ExAC 0.00001; gnomAD 0.00001.
gnomAD v4.1: 4 of 1,613,746 alleles (0.00025%); no homozygotes.

Submissions (2):

All of Us Research Program, National Institutes of Health
Classification: Uncertain significance for Hypertrophic cardiomyopathy. Last evaluated: 2024-08-06. Review status: criteria provided, single submitter. Criteria: ACMG Guidelines, 2015. Collection method: clinical testing. Allele origin: germline. Inheritance: Autosomal dominant inheritance. Observed: 2 variant alleles, 2 heterozygotes.
Comment: This missense variant replaces glutamine with glutamic acid at codon 101 of the MYL3 protein. Computational prediction suggests that this variant may not impact protein structure and function (internally defined REVEL score threshold <= 0.5, PMID: 27666373). To our knowledge, functional studies have not been reported for this variant. This variant has not been reported in individuals affected with MYL3-related disorders in the literature. This variant has been identified in 1/251028 chromosomes in the general population by the Genome Aggregation Database (gnomAD). The available evidence is insufficient to determine the role of this variant in disease conclusively. Therefore, this variant is classified as a Variant of Uncertain Significance.

This study involves interpretation of variants in research participants for the purpose of population health screening. Participant phenotype was not available at the time of variant classification. Additional details can be found in publication PMID: 35346344, PMCID: PMC8962531

Labcorp Genetics (formerly Invitae), Labcorp
Classification: Uncertain significance for Hypertrophic cardiomyopathy. Last evaluated: 2015-12-16. Review status: criteria provided, single submitter. Criteria: Invitae Variant Classification Sherloc (09022015). Collection method: clinical testing. Allele origin: germline.
Comment: In summary, this is a rare missense change that is not predicted to affect protein function or cause disease. However, the evidence is insufficient at this time to prove that conclusively. Therefore, it has been classified as a Variant of Uncertain Significance. Algorithms developed to predict the effect of missense changes on protein structure and function (SIFT, PolyPhen-2, Align-GVGD) all suggest that this variant is likely to be tolerated, but these predictions have not been confirmed by published functional studies. This variant is present in population databases (rs747691982, ExAC 0.02%) but has not been reported in the literature in individuals with a MYL3-related disease. This sequence change replaces glutamine with glutamic acid at codon 101 of the MYL3 protein (p.Gln101Glu). The glutamine residue is moderately conserved and there is a small physicochemical difference between glutamine and glutamic acid.